The following is an entry in ClinVar:

NM_152564.5(VPS13B):c.11429_11432dup (p.Arg3812fs)

Gene: VPS13B (vacuolar protein sorting 13 homolog B; plus strand). Cytogenetic location: 8q22.2.
Variant type: Duplication.
Coding change: c.11429_11432dup on transcript NM_152564.5 (MANE Select); coding-DNA positions 11429 to 11432, 4 bases duplicated (AACA; older notation c.11429_11432dupAACA).
Protein change: p.Arg3812fs; shifts the reading frame from arginine 3812.
Molecular consequence: frameshift variant.
Genome position (GRCh38, 1-based): chr8:99,870,821-99,870,824, AACA duplicated; duplicating any 4 consecutive bases within chr8:99,870,819-99,870,824 gives the same sequence; the c. name uses the placement nearest the transcript's 3' end. VCF-style (leftmost placement, unchanged base first): chr8-99870818-C-CCAAA. GRCh37 (hg19) VCF-style: chr8-100883046-C-CCAAA.
Other names: c.11504_11507dup, p.Arg3837fs (NM_017890.5); short protein forms R3812fs, R3837fs.
Identifiers: ClinVar variation 802431 (VCV000802431.4), dbSNP rs1588810695, ClinGen allele CA915948829.

ClinVar aggregate classification (germline): Pathogenic. Review status: criteria provided, multiple submitters, no conflicts (2 of 4 stars). 2 submissions from 2 submitters: Pathogenic (2). Last evaluated 2023-11-07.

Conditions:
Cohen syndrome (COH1). Also called: Cutis verticis gyrata, retinitis pigmentosa, and sensorineural deafness; PEPPER SYNDROME. Identifiers: Orphanet 193, MedGen C0265223, MONDO:0008999, OMIM 216550.

Submissions (2):

Labcorp Genetics (formerly Invitae), Labcorp
Classification: Pathogenic for Cohen syndrome. Last evaluated: 2023-11-07. Review status: criteria provided, single submitter. Criteria: Invitae Variant Classification Sherloc (09022015). Collection method: clinical testing. Allele origin: germline.
Comment: This sequence change creates a premature translational stop signal (p.Arg3837Thrfs*7) in the VPS13B gene. It is expected to result in an absent or disrupted protein product. Loss-of-function variants in VPS13B are known to be pathogenic (PMID: 15141358, 16648375, 20461111). This variant is not present in population databases (gnomAD no frequency). This variant has not been reported in the literature in individuals affected with VPS13B-related conditions. ClinVar contains an entry for this variant (Variation ID: 802431). For these reasons, this variant has been classified as Pathogenic.

Mendelics
Classification: Pathogenic for Cohen syndrome. Last evaluated: 2019-05-28. Review status: criteria provided, single submitter. Criteria: Mendelics Assertion Criteria 2017. Collection method: clinical testing. Allele origin: unknown.

Literature cited by the submitters: PubMed 15141358 (cited by Labcorp Genetics (formerly Invitae), Labcorp); PubMed 16648375 (cited by Labcorp Genetics (formerly Invitae), Labcorp); PubMed 20461111 (cited by Labcorp Genetics (formerly Invitae), Labcorp).